The following is an entry in ClinVar:

ClinVar aggregate classification (germline): Uncertain significance (1 of 4 stars; one submission).

Submission:

GeneDx
Classification: Uncertain significance. Last evaluated: 2023-08-01. Review status: criteria provided, single submitter. Criteria: GeneDx Variant Classification Process June 2021. Collection method: clinical testing. Allele origin: germline. Affected: yes.
Comment: Not observed at significant frequency in large population cohorts (gnomAD); In silico analysis supports that this missense variant has a deleterious effect on protein structure/function; Has not been previously published as pathogenic or benign to our knowledge; This variant is associated with the following publications: (PMID: 21073748)

NM_006947.4(SRP72):c.1598A>C (p.Lys533Thr)

Gene: SRP72 (signal recognition particle 72; plus strand). Cytogenetic location: 4q12.
Variant type: single nucleotide variant.
Coding change: c.1598A>C on transcript NM_006947.4 (MANE Select); coding-DNA position 1598, A replaced by C.
Protein change: p.Lys533Thr; replaces lysine 533 with threonine.
Molecular consequence: missense variant. On other transcripts: non-coding transcript variant (1).
Genome position (GRCh38, 1-based): chr4:56,491,526, A>C. VCF-style: chr4-56491526-A-C. GRCh37 (hg19) VCF-style: chr4-57357692-A-C.
Other names: c.1415A>C, p.Lys472Thr (NM_001267722.2); short protein forms K472T, K533T.
Identifiers: ClinVar variation 3252517 (VCV003252517.1), dbSNP rs200396390.